The following is an entry in ClinVar:

ClinVar aggregate classification (germline): Uncertain significance (1 of 4 stars; one submission).

Conditions:
MYBPC3-related disorder. Also called: MYBPC3-related condition; MYBPC3-related disease; MYBPC3-related disorders.

Submission:

PreventionGenetics, part of Exact Sciences
Classification: Uncertain significance for MYBPC3-related condition. Last evaluated: 2026-05-21. Review status: criteria provided, single submitter. Criteria: ACMG Guidelines, 2015. Collection method: clinical testing. Allele origin: germline.
Comment: The MYBPC3 c.2905+450_2905+453delTGAG variant is predicted to result in an intronic deletion. To our knowledge, this variant has not been reported in the literature or in a large population database (gnomAD), indicating this variant is rare. This variant is not predicted to impact splicing based on a splicing prediction program (SpliceAI, Jaganathan et al. 2019. PubMed ID: 30661751). Of note, an adjacent variant (c.2905+445_2905+448del) has been documented in an individual with hypertrophic cardiomyopathy and functional analysis was supportive for a splicing defect (Janin et al. 2020. PubMed ID: 31730716). At this time, the clinical significance of the c.2905+450_2905+453del variant is uncertain due to the absence of conclusive functional and genetic evidence.

NM_000256.3(MYBPC3):c.2905+450_2905+453del

Gene: MYBPC3 (myosin binding protein C3; minus strand). Cytogenetic location: 11p11.2.
Variant type: Deletion.
Coding change: c.2905+450_2905+453del on transcript NM_000256.3 (MANE Select); bases 450 to 453 of the intron after coding-DNA position 2905, 4 bases deleted (TGAG; older notation c.2905+450_2905+453delTGAG).
Molecular consequence: intron variant.
Genome position (GRCh38, 1-based): chr11:47,334,589-47,334,592, CTCA deleted on the plus strand (TGAG on the coding strand, the reverse complement: MYBPC3 is on the minus strand); deleting any 4 consecutive bases within chr11:47,334,589-47,334,595 gives the same sequence; the c. name uses the placement nearest the transcript's 3' end. VCF-style (leftmost placement, unchanged base first): chr11-47334588-TCTCA-T. GRCh37 (hg19) VCF-style: chr11-47356139-TCTCA-T.
Other names: c.2905+450_2905+453delTGAG (NM_000256.3).
Identifiers: ClinVar variation 4982584 (VCV004982584.1).
Genomic context (GRCh38, chr11:47,334,588, plus strand): 5'-TAAGGGACTGACATACACCAAGAGAGCCCTTTCTGCACTTTTTTTTTTTTTGAGACGTTG[TCTCA>T]CTCTGTCACCCAGACTGGAGTGCAATAGTGTGATCTCAGCTCATTGCAACTGCCACCTCC-3'